The following is an entry in ClinVar:

NM_002249.6(KCNN3):c.1448+2T>C

Gene: KCNN3 (potassium calcium-activated channel subfamily N member 3; minus strand). Cytogenetic location: 1q21.3.
Variant type: single nucleotide variant.
Coding change: c.1448+2T>C on transcript NM_002249.6 (MANE Select); the canonical splice donor site of the intron after coding-DNA position 1448, T replaced by C.
Molecular consequence: splice donor variant.
Genome position (GRCh38, 1-based): chr1:154,771,973, A>G on the plus strand (T>C on the coding strand, the complement: KCNN3 is on the minus strand). VCF-style: chr1-154771973-A-G. GRCh37 (hg19) VCF-style: chr1-154744449-A-G.
Other names: c.1448+2T>C (NM_001204087.2); c.533+2T>C (NM_170782.3); c.509+2T>C (NM_001365838.1, NM_001365837.1).
Identifiers: ClinVar variation 1803409 (VCV001803409.1), dbSNP rs2524731008, ClinGen allele CA343066121.

ClinVar aggregate classification (germline): Uncertain significance (1 of 4 stars; one submission).

Submission:

GeneDx
Classification: Uncertain significance. Last evaluated: 2022-06-09. Review status: criteria provided, single submitter. Criteria: GeneDx Variant Classification Process June 2021. Collection method: clinical testing. Allele origin: germline. Affected: yes.
Comment: Not observed at significant frequency in large population cohorts (gnomAD); Canonical splice site variant in a gene or region of a gene for which loss of function is not a well-established mechanism of disease; Has not been previously published as pathogenic or benign to our knowledge